The following is an entry in ClinVar:

ClinVar aggregate classification (germline): Uncertain significance. Review status: criteria provided, multiple submitters, no conflicts (2 of 4 stars). 2 submissions from 2 submitters: Uncertain significance (2). Last evaluated 2024-08-08.

Conditions:
Symmetrical dyschromatosis of extremities (DSH). Also called: DYSCHROMATOSIS SYMMETRICA HEREDITARIA 1; Dyschromatosis symmetrica hereditaria; RETICULATE ACROPIGMENTATION OF DOHI; SYMMETRIC DYSCHROMATOSIS OF THE EXTREMITIES. Identifiers: Orphanet 41, MedGen C0406775, MONDO:0007483, OMIM 127400.
Aicardi-Goutieres syndrome 6 (AGS6). Identifiers: Orphanet 51, MedGen C3539013, MONDO:0014007, OMIM 615010.

Allele frequency attached by ClinVar (database versions not stated): gnomAD exomes 0.00001; ExAC 0.00002.
gnomAD v4.1: 11 of 1,613,814 alleles (0.00068%); highest among the groups gnomAD compares: Admixed American, 0.0017%; no homozygotes.

Submissions (2):

Labcorp Genetics (formerly Invitae), Labcorp
Classification: Uncertain significance for Aicardi-Goutieres syndrome 6; Symmetrical dyschromatosis of extremities. Last evaluated: 2024-08-08. Review status: criteria provided, single submitter. Criteria: Invitae Variant Classification Sherloc (09022015). Collection method: clinical testing. Allele origin: germline.
Comment: This sequence change replaces alanine, which is neutral and non-polar, with threonine, which is neutral and polar, at codon 970 of the ADAR protein (p.Ala970Thr). This variant is present in population databases (rs781413531, gnomAD 0.01%). This variant has not been reported in the literature in individuals affected with ADAR-related conditions. ClinVar contains an entry for this variant (Variation ID: 1952138). Advanced modeling of protein sequence and biophysical properties (such as structural, functional, and spatial information, amino acid conservation, physicochemical variation, residue mobility, and thermodynamic stability) has been performed at Invitae for this missense variant, however the output from this modeling did not meet the statistical confidence thresholds required to predict the impact of this variant on ADAR protein function. In summary, the available evidence is currently insufficient to determine the role of this variant in disease. Therefore, it has been classified as a Variant of Uncertain Significance.

Genomic Medicine Center of Excellence, King Faisal Specialist Hospital and Research Centre
Classification: Uncertain significance for Symmetrical dyschromatosis of extremities. Last evaluated: 2024-03-17. Review status: criteria provided, single submitter. Criteria: ACMG Guidelines, 2015. Collection method: research. Allele origin: germline.

NM_001111.5(ADAR):c.2908G>A (p.Ala970Thr)

Gene: ADAR (adenosine deaminase RNA specific; minus strand). Cytogenetic location: 1q21.3.
Variant type: single nucleotide variant.
Coding change: c.2908G>A on transcript NM_001111.5 (MANE Select); coding-DNA position 2908, G replaced by A.
Protein change: p.Ala970Thr; replaces alanine 970 with threonine.
Molecular consequence: missense variant.
Genome position (GRCh38, 1-based): chr1:154,588,236, C>T on the plus strand (G>A on the coding strand, the complement: ADAR is on the minus strand). VCF-style: chr1-154588236-C-T. GRCh37 (hg19) VCF-style: chr1-154560712-C-T.
Other names: c.2023G>A, p.Ala675Thr (NM_001025107.3, NM_001193495.2, NM_001365046.1 and 2 more transcripts); c.2935G>A, p.Ala979Thr (NM_001365045.1); c.1945G>A, p.Ala649Thr (NM_001365049.1); c.2830G>A, p.Ala944Thr (NM_015840.4); c.2773G>A, p.Ala925Thr (NM_015841.4); short protein forms A675T, A944T, A649T, A970T, A979T, A925T.
Identifiers: ClinVar variation 1952138 (VCV001952138.7), dbSNP rs781413531, ClinGen allele CA1131103.